The following is an entry in ClinVar:

NM_006831.3(CLP1):c.1141A>G (p.Thr381Ala)

Gene: CLP1 (cleavage factor polyribonucleotide kinase subunit 1; plus strand). Cytogenetic location: 11q12.1.
Variant type: single nucleotide variant.
Coding change: c.1141A>G on transcript NM_006831.3 (MANE Select); coding-DNA position 1141, A replaced by G.
Protein change: p.Thr381Ala; replaces threonine 381 with alanine.
Molecular consequence: missense variant.
Genome position (GRCh38, 1-based): chr11:57,661,299, A>G. VCF-style: chr11-57661299-A-G. GRCh37 (hg19) VCF-style: chr11-57428771-A-G.
Other names: c.949A>G, p.Thr317Ala (NM_001142597.2); short protein forms T381A, T317A.
Identifiers: ClinVar variation 789622 (VCV000789622.13), dbSNP rs148451233, ClinGen allele CA6008630.

ClinVar aggregate classification (germline): Likely benign. Review status: criteria provided, single submitter (1 of 4 stars). 2 submissions from 2 submitters: Likely benign (1). 1 of the submissions does not count toward it. Last evaluated 2026-01-05.

Conditions:
CLP1-related disorder. Also called: CLP1-related condition.

Allele frequency attached by ClinVar (database versions not stated): gnomAD exomes 0.00013 and 0.00031; ExAC 0.00031; 1000 Genomes Project 0.00040; 1000 Genomes Project 30x 0.00062; gnomAD 0.00116 and 0.00123; TOPMed 0.00128; ESP Exome Variant Server 0.00139.

Submissions (2):

Labcorp Genetics (formerly Invitae), Labcorp
Classification: Likely benign. Last evaluated: 2026-01-05. Review status: criteria provided, single submitter. Criteria: Invitae Variant Classification Sherloc (09022015). Collection method: clinical testing. Allele origin: germline.

PreventionGenetics, part of Exact Sciences
Classification: Likely benign for CLP1-related condition. Last evaluated: 2023-07-13. Review status: no assertion criteria provided. Collection method: clinical testing. Allele origin: germline. Not counted in ClinVar's aggregate classification.
Comment: This variant is classified as likely benign based on ACMG/AMP sequence variant interpretation guidelines (Richards et al. 2015 PMID: 25741868, with internal and published modifications).